The following is an entry in ClinVar:

ClinVar aggregate classification (germline): Pathogenic (1 of 4 stars; one submission).

Conditions:
Jeune thoracic dystrophy. Also called: Short-rib thoracic dysplasia; Jeune syndrome; Infantile thoracic dystrophy; Thoracic pelvic phalangeal dystrophy; Jeune's syndrome; Chondroectodermal dysplasia-like syndrome. Identifiers: Orphanet 474, MedGen C0265275, MONDO:0018770.

gnomAD v4.1: 1 of 1,612,906 alleles (0.000062%); highest among the groups gnomAD compares: Non-Finnish European, 0.000085%; no homozygotes.

Submission:

Labcorp Genetics (formerly Invitae), Labcorp
Classification: Pathogenic for Jeune thoracic dystrophy. Last evaluated: 2025-10-09. Review status: criteria provided, single submitter. Criteria: Invitae Variant Classification Sherloc (09022015). Collection method: clinical testing. Allele origin: germline.
Comment: This sequence change creates a premature translational stop signal (p.Gln2264*) in the DYNC2H1 gene. It is expected to result in an absent or disrupted protein product. Loss-of-function variants in DYNC2H1 are known to be pathogenic (PMID: 23339108, 32753734, 33755199). This variant is not present in population databases (gnomAD no frequency). This variant has not been reported in the literature in individuals affected with DYNC2H1-related conditions. ClinVar contains an entry for this variant (Variation ID: 2698452). For these reasons, this variant has been classified as Pathogenic.

Literature cited by the submitters: PubMed 23339108; PubMed 32753734; PubMed 33755199.

NM_001377.3(DYNC2H1):c.6790C>T (p.Gln2264Ter)

Gene: DYNC2H1 (dynein cytoplasmic 2 heavy chain 1; plus strand). Cytogenetic location: 11q22.3.
Variant type: single nucleotide variant.
Coding change: c.6790C>T on transcript NM_001377.3 (MANE Select); coding-DNA position 6790, C replaced by T.
Protein change: p.Gln2264Ter; replaces glutamine 2264 with a stop codon.
Molecular consequence: nonsense.
Genome position (GRCh38, 1-based): chr11:103,186,398, C>T. VCF-style: chr11-103186398-C-T. GRCh37 (hg19) VCF-style: chr11-103057127-C-T.
Other names: c.6790C>T, p.Gln2264Ter (NM_001080463.2); short protein forms Q2264*.
Identifiers: ClinVar variation 2698452 (VCV002698452.3), dbSNP rs764720647, ClinGen allele CA382250363.